The following is an entry in ClinVar:

NM_007317.3(KIF22):c.496C>T (p.Arg166Trp)

Gene: KIF22 (kinesin family member 22; plus strand). Cytogenetic location: 16p11.2.
Variant type: single nucleotide variant.
Coding change: c.496C>T on transcript NM_007317.3 (MANE Select); coding-DNA position 496, C replaced by T.
Protein change: p.Arg166Trp; replaces arginine 166 with tryptophan.
Molecular consequence: missense variant.
Genome position (GRCh38, 1-based): chr16:29,798,694, C>T. VCF-style: chr16-29798694-C-T. GRCh37 (hg19) VCF-style: chr16-29810015-C-T.
Other names: c.292C>T, p.Arg98Trp (NM_001256269.2, NM_001256270.1); short protein forms R166W, R98W.
Identifiers: ClinVar variation 1552034 (VCV001552034.11), dbSNP rs767054899, ClinGen allele CA7993002.

ClinVar aggregate classification (germline): Conflicting classifications of pathogenicity. Review status: criteria provided, conflicting classifications (1 of 4 stars). 3 submissions from 3 submitters: Uncertain significance (2); Likely benign (1). Last evaluated 2024-07-27.

Allele frequency attached by ClinVar (database versions not stated): TOPMed below 0.00001; ExAC 0.00001; gnomAD exomes 0.00001.

Submissions (3):

Labcorp Genetics (formerly Invitae), Labcorp
Classification: Likely benign. Last evaluated: 2024-07-27. Review status: criteria provided, single submitter. Criteria: Invitae Variant Classification Sherloc (09022015). Collection method: clinical testing. Allele origin: germline.

Blueprint Genetics
Classification: Uncertain significance. Last evaluated: 2023-10-05. Review status: criteria provided, single submitter. Criteria: ACMG Guidelines, 2015. Collection method: clinical testing. Allele origin: germline.

Laboratorio de Genetica e Diagnostico Molecular, Hospital Israelita Albert Einstein
Classification: Uncertain significance. Last evaluated: 2020-02-03. Review status: criteria provided, single submitter. Criteria: ACMG Guidelines, 2015. Collection method: clinical testing. Allele origin: germline. Affected: yes.
Comment: ACMG classification criteria: PM2, BP4